The following is an entry in ClinVar:

NM_001042475.3(CEP85L):c.1936A>G (p.Lys646Glu)

Gene: CEP85L (centrosomal protein 85L; minus strand). Cytogenetic location: 6q22.31.
Variant type: single nucleotide variant.
Coding change: c.1936A>G on transcript NM_001042475.3 (MANE Select); coding-DNA position 1936, A replaced by G.
Protein change: p.Lys646Glu; replaces lysine 646 with glutamic acid.
Molecular consequence: missense variant.
Genome position (GRCh38, 1-based): chr6:118,470,623, T>C on the plus strand (A>G on the coding strand, the complement: CEP85L is on the minus strand). VCF-style: chr6-118470623-T-C. GRCh37 (hg19) VCF-style: chr6-118791786-T-C.
Other names: c.1945A>G, p.Lys649Glu (NM_001178035.2); short protein forms K646E, K649E.
Identifiers: ClinVar variation 4681583 (VCV004681583.5).

ClinVar aggregate classification (germline): Likely benign (1 of 4 stars; one submission).

gnomAD v4.1: 33 of 1,602,274 alleles (0.0021%); highest among the groups gnomAD compares: East Asian, 0.039%; no homozygotes.

Submission:

CeGaT Center for Human Genetics Tuebingen
Classification: Likely benign. Last evaluated: 2025-12-01. Review status: criteria provided, single submitter. Criteria: CeGaT Center For Human Genetics Tuebingen Variant Classification Criteria Version 2. Collection method: clinical testing. Allele origin: germline. Affected: yes. Observed: 1 variant allele.
Comment: CEP85L: BP4, BS2